The following is an entry in ClinVar:

ClinVar aggregate classification (germline): Uncertain significance (1 of 4 stars; one submission).

Conditions:
Hereditary cancer-predisposing syndrome. Also called: Neoplastic Syndromes, Hereditary; Tumor predisposition; Hereditary Cancer Syndrome; Hereditary neoplastic syndrome. Identifiers: Orphanet 140162, MedGen C0027672, MeSH D009386, MONDO:0015356.

Submission:

Ambry Genetics
Classification: Uncertain significance for Hereditary cancer-predisposing syndrome. Last evaluated: 2025-08-19. Review status: criteria provided, single submitter. Criteria: Ambry Variant Classification Scheme 2023. Collection method: clinical testing. Allele origin: germline.
Comment: The p.G115R variant (also known as c.343G>C), located in coding exon 3 of the RET gene, results from a G to C substitution at nucleotide position 343. The glycine at codon 115 is replaced by arginine, an amino acid with dissimilar properties. This amino acid position is highly conserved in available vertebrate species. In addition, the in silico prediction for this alteration is inconclusive. Based on the available evidence, the clinical significance of this variant remains unclear.

NM_020975.6(RET):c.343G>C (p.Gly115Arg)

Gene: RET (ret proto-oncogene; plus strand). Cytogenetic location: 10q11.21.
Variant type: single nucleotide variant.
Coding change: c.343G>C on transcript NM_020975.6 (MANE Select); coding-DNA position 343, G replaced by C.
Protein change: p.Gly115Arg; replaces glycine 115 with arginine.
Molecular consequence: missense variant. On other transcripts: intron variant (22).
Genome position (GRCh38, 1-based): chr10:43,102,347, G>C. VCF-style: chr10-43102347-G-C. GRCh37 (hg19) VCF-style: chr10-43597795-G-C.
Other names: c.74-9752G>C (NM_001406794.1, NM_001406792.1, NM_001406793.1); c.343G>C, p.Gly115Arg (NM_001406743.1, NM_001406744.1, NM_001406759.1 and 14 more transcripts); c.338-124G>C (NM_001406764.1, NM_001406762.1, NM_001406761.1 and 4 more transcripts); c.337+1625G>C (NM_001406770.1, NM_001406766.1, NM_001406767.1 and 8 more transcripts); c.74-6684G>C (NM_001406784.1); short protein forms G115R.
Identifiers: ClinVar variation 4152811 (VCV004152811.1).